The following is an entry in ClinVar:

NM_002691.4(POLD1):c.848A>G (p.Gln283Arg)

Gene: POLD1 (DNA polymerase delta 1, catalytic subunit; plus strand). Cytogenetic location: 19q13.33.
Variant type: single nucleotide variant.
Coding change: c.848A>G on transcript NM_002691.4 (MANE Select); coding-DNA position 848, A replaced by G.
Protein change: p.Gln283Arg; replaces glutamine 283 with arginine.
Molecular consequence: missense variant. On other transcripts: non-coding transcript variant (1).
Genome position (GRCh38, 1-based): chr19:50,402,619, A>G. VCF-style: chr19-50402619-A-G. GRCh37 (hg19) VCF-style: chr19-50905876-A-G.
Other names: c.848A>G, p.Gln283Arg (NM_001256849.1, NM_001308632.1); short protein forms Q283R.
Identifiers: ClinVar variation 2560436 (VCV002560436.2), dbSNP rs2122255441, ClinGen allele CA406976655.

ClinVar aggregate classification (germline): Uncertain significance (1 of 4 stars; one submission).

Conditions:
Hereditary cancer-predisposing syndrome. Also called: Neoplastic Syndromes, Hereditary; Hereditary Cancer Syndrome; Hereditary neoplastic syndrome; Tumor predisposition. Identifiers: Orphanet 140162, MedGen C0027672, MeSH D009386, MONDO:0015356.

Allele frequency attached by ClinVar (database versions not stated): gnomAD exomes below 0.00001.
gnomAD v4.1: 1 of 1,573,544 alleles (0.000064%); highest among the groups gnomAD compares: Non-Finnish European, 0.000086%; no homozygotes.

Submission:

Ambry Genetics
Classification: Uncertain significance for Hereditary cancer-predisposing syndrome. Last evaluated: 2023-03-19. Review status: criteria provided, single submitter. Criteria: Ambry Variant Classification Scheme 2023. Collection method: clinical testing. Allele origin: germline.
Comment: The p.Q283R variant (also known as c.848A>G), located in coding exon 7 of the POLD1 gene, results from an A to G substitution at nucleotide position 848. The glutamine at codon 283 is replaced by arginine, an amino acid with highly similar properties. This amino acid position is conserved. In addition, this alteration is predicted to be tolerated by in silico analysis. Since supporting evidence is limited at this time, the clinical significance of this alteration remains unclear.